The following is an entry in ClinVar:

NM_052867.4(NALCN):c.1026T>C (p.Thr342=)

Gene: NALCN (sodium leak channel, non-selective; minus strand). Cytogenetic location: 13q33.1.
Variant type: single nucleotide variant.
Coding change: c.1026T>C on transcript NM_052867.4 (MANE Select); coding-DNA position 1026, T replaced by C.
Protein change: p.Thr342=; no amino-acid change (threonine 342 retained).
Molecular consequence: synonymous variant.
Genome position (GRCh38, 1-based): chr13:101,292,011, A>G on the plus strand (T>C on the coding strand, the complement: NALCN is on the minus strand). VCF-style: chr13-101292011-A-G. GRCh37 (hg19) VCF-style: chr13-101944362-A-G.
Other names: c.1026T>C, p.Thr342= (NM_001350748.2, NM_001350749.2, NM_001350750.2 and 1 more transcripts).
Identifiers: ClinVar variation 3044284 (VCV003044284.2), dbSNP rs1226791133, ClinGen allele CA484763831.

ClinVar aggregate classification (germline): Likely benign (0 of 4 stars; one submission).

Conditions:
NALCN-related disorder. Also called: NALCN-related disorders; NALCN-related condition.

Allele frequency attached by ClinVar (database versions not stated): gnomAD exomes below 0.00001; TOPMed below 0.00001.
gnomAD v4.1: 4 of 1,614,134 alleles (0.00025%); highest among the groups gnomAD compares: Non-Finnish European, 0.00034%; no homozygotes.

Submission:

PreventionGenetics, part of Exact Sciences
Classification: Likely benign for NALCN-related condition. Last evaluated: 2022-12-16. Review status: no assertion criteria provided. Collection method: clinical testing. Allele origin: germline.
Comment: This variant is classified as likely benign based on ACMG/AMP sequence variant interpretation guidelines (Richards et al. 2015 PMID: 25741868, with internal and published modifications).